The following is an entry in ClinVar:

NM_183050.4(BCKDHB):c.547C>G (p.Arg183Gly)

Gene: BCKDHB (branched chain keto acid dehydrogenase E1 subunit beta; plus strand). Cytogenetic location: 6q14.1.
Variant type: single nucleotide variant.
Coding change: c.547C>G on transcript NM_183050.4 (MANE Select); coding-DNA position 547, C replaced by G.
Protein change: p.Arg183Gly; replaces arginine 183 with glycine.
Molecular consequence: missense variant. On other transcripts: non-coding transcript variant (6).
Genome position (GRCh38, 1-based): chr6:80,168,944, C>G. VCF-style: chr6-80168944-C-G. GRCh37 (hg19) VCF-style: chr6-80878661-C-G.
Other names: c.547C>G, p.Arg183Gly (NM_000056.5, NM_001424035.1, NM_001424036.1 and 8 more transcripts); c.337C>G, p.Arg113Gly (NM_001318975.1, NM_001424043.1); short protein forms R113G, R183G.
Identifiers: ClinVar variation 3335960 (VCV003335960.2).

ClinVar aggregate classification (germline): Likely pathogenic. Review status: criteria provided, multiple submitters, no conflicts (2 of 4 stars). 2 submissions from 2 submitters: Likely pathogenic (2). Last evaluated 2024-05-21.

Conditions:
Maple syrup urine disease type 1B (MSUD1B). Also called: MSUD type IB; MSUD type 3 (formerly); MSUD due to deficiency of e1-beta subunit of branched-chain alpha-keto acid dehydrogenase complex. Identifiers: MedGen C2930990, MONDO:0023692, OMIM 620698.
Maple syrup urine disease (MSUD). Identifiers: Orphanet 511, MedGen C0024776, MeSH D008375, MONDO:0009563. Disease mechanism: loss of function.

gnomAD v4.1: 4 of 1,614,006 alleles (0.00025%); highest among the groups gnomAD compares: African/African-American, 0.0013%; no homozygotes.

Submissions (2):

Fulgent Genetics
Classification: Likely pathogenic for Maple syrup urine disease type 1B. Last evaluated: 2024-05-21. Review status: criteria provided, single submitter. Criteria: ACMG Guidelines, 2015. Collection method: clinical testing. Allele origin: germline.

Women's Health and Genetics/Laboratory Corporation of America, LabCorp
Classification: Likely pathogenic for Maple syrup urine disease. Last evaluated: 2024-05-14. Review status: criteria provided, single submitter. Criteria: LabCorp Variant Classification Summary - May 2015. Collection method: clinical testing. Allele origin: germline.
Comment: Variant summary: BCKDHB c.547C>G (p.Arg183Gly) results in a non-conservative amino acid change located in the Transketolase-like, pyrimidine-binding domain (IPR005475) of the encoded protein sequence. Five of five in-silico tools predict a damaging effect of the variant on protein function. The variant allele was found at a frequency of 4e-06 in 251356 control chromosomes. To our knowledge, no occurrence of c.547C>G in individuals affected with Maple Syrup Urine Disease and no experimental evidence demonstrating its impact on protein function have been reported. Additionally, two different variants affecting the same codon (p.Arg183Trp and p.Arg183Pro) have been classified on the pathogenic spectrum in our lab, supporting the critical relevance of codon 183 to BCKDHB protein function. No submitters have cited clinical-significance assessments for this variant to ClinVar. Based on the evidence outlined above, the variant was classified as likely pathogenic.